The following is an entry in ClinVar:

ClinVar aggregate classification (germline): Likely benign. Review status: criteria provided, single submitter (1 of 4 stars). 2 submissions from 2 submitters: Likely benign (1). 1 of the submissions does not count toward it. Last evaluated 2024-09-03.

Conditions:
PLXNA1-related disorder. Also called: PLXNA1-related condition.

Allele frequency attached by ClinVar (database versions not stated): gnomAD 0.00011.
gnomAD v4.1: 77 of 1,612,156 alleles (0.0048%); highest among the groups gnomAD compares: East Asian, 0.082%; 1 homozygote.

Submissions (2):

Labcorp Genetics (formerly Invitae), Labcorp
Classification: Likely benign. Last evaluated: 2024-09-03. Review status: criteria provided, single submitter. Criteria: Invitae Variant Classification Sherloc (09022015). Collection method: clinical testing. Allele origin: germline.

PreventionGenetics, part of Exact Sciences
Classification: Likely benign for PLXNA1-related condition. Last evaluated: 2023-08-28. Review status: no assertion criteria provided. Collection method: clinical testing. Allele origin: germline. Not counted in ClinVar's aggregate classification.
Comment: This variant is classified as likely benign based on ACMG/AMP sequence variant interpretation guidelines (Richards et al. 2015 PMID: 25741868, with internal and published modifications).

NM_032242.4(PLXNA1):c.2679C>T (p.Phe893=)

Gene: PLXNA1 (plexin A1; plus strand). Cytogenetic location: 3q21.3.
Variant type: single nucleotide variant.
Coding change: c.2679C>T on transcript NM_032242.4 (MANE Select); coding-DNA position 2679, C replaced by T.
Protein change: p.Phe893=; no amino-acid change (phenylalanine 893 retained).
Molecular consequence: synonymous variant.
Genome position (GRCh38, 1-based): chr3:127,014,552, C>T. VCF-style: chr3-127014552-C-T. GRCh37 (hg19) VCF-style: chr3-126733395-C-T.
Identifiers: ClinVar variation 3035987 (VCV003035987.4), dbSNP rs754485822, ClinGen allele CA2593723.
Genomic context (GRCh38, chr3:127,014,552, plus strand): 5'-GGGCCCGAGGCAGGGCGGCACGCGGCTCACTATCACAGGCGAGAACCTGGGCCTGCGATT[C>T]GAAGACGTGCGTCTGGGCGTGCGCGTGGGCAAGGTGCTGTGCAGCCCTGTGGAGAGCGAG-3'
Protein context (NP_115618.3, residues 883-903): TITGENLGLR[Phe893=]EDVRLGVRVG